The following is an entry in ClinVar:

ClinVar aggregate classification (germline): Uncertain significance (1 of 4 stars; one submission).

Conditions:
Hereditary cancer-predisposing syndrome. Also called: Neoplastic Syndromes, Hereditary; Tumor predisposition; Hereditary neoplastic syndrome; Hereditary Cancer Syndrome. Identifiers: Orphanet 140162, MedGen C0027672, MeSH D009386, MONDO:0015356.

Submission:

Ambry Genetics
Classification: Uncertain significance for Hereditary cancer-predisposing syndrome. Last evaluated: 2026-08-12. Review status: criteria provided, single submitter. Criteria: Ambry Variant Classification Scheme 2023. Collection method: clinical testing. Allele origin: germline.
Comment: The p.Q339K variant (also known as c.1015C>A), located in coding exon 6 of the MEN1 gene, results from a C to A substitution at nucleotide position 1015. The glutamine at codon 339 is replaced by lysine, an amino acid with similar properties. This amino acid position is conserved. In addition, the in silico prediction for this alteration is inconclusive. Based on the available evidence, the clinical significance of this variant remains unclear.

NM_001370259.2(MEN1):c.1015C>A (p.Gln339Lys)

Gene: MEN1 (menin 1; minus strand). Cytogenetic location: 11q13.1.
Variant type: single nucleotide variant.
Coding change: c.1015C>A on transcript NM_001370259.2 (MANE Select); coding-DNA position 1015, C replaced by A.
Protein change: p.Gln339Lys; replaces glutamine 339 with lysine.
Molecular consequence: missense variant. On other transcripts: non-coding transcript variant (4).
Genome position (GRCh38, 1-based): chr11:64,806,266, G>T on the plus strand (C>A on the coding strand, the complement: MEN1 is on the minus strand). VCF-style: chr11-64806266-G-T. GRCh37 (hg19) VCF-style: chr11-64573738-G-T.
Other names: c.1030C>A, p.Gln344Lys (NM_000244.4, NM_130800.3, NM_130801.3 and 5 more transcripts); c.1015C>A, p.Gln339Lys (NM_130799.3, NM_001407146.1, NM_001407147.1 and 7 more transcripts); c.910C>A, p.Gln304Lys (NM_001407148.1, NM_001407149.1, NM_001407151.1 and 2 more transcripts); short protein forms Q339K, Q304K, Q344K.
Identifiers: ClinVar variation 5024303 (VCV005024303.1).